The following is an entry in ClinVar:

NM_012108.4(STAP1):c.482A>C (p.Glu161Ala)

Gene: STAP1 (signal transducing adaptor family member 1; plus strand). Cytogenetic location: 4q13.2.
Variant type: single nucleotide variant.
Coding change: c.482A>C on transcript NM_012108.4 (MANE Select); coding-DNA position 482, A replaced by C.
Protein change: p.Glu161Ala; replaces glutamic acid 161 with alanine.
Molecular consequence: missense variant.
Genome position (GRCh38, 1-based): chr4:67,581,423, A>C. VCF-style: chr4-67581423-A-C. GRCh37 (hg19) VCF-style: chr4-68447141-A-C.
Other names: c.482A>C, p.Glu161Ala (NM_001317769.2); short protein forms E161A.
Identifiers: ClinVar variation 4590304 (VCV004590304.1).

ClinVar aggregate classification (germline): Uncertain significance (1 of 4 stars; one submission).

Submission:

Ambry Genetics
Classification: Uncertain significance. Last evaluated: 2025-10-14. Review status: criteria provided, single submitter. Criteria: Ambry Variant Classification Scheme 2023. Collection method: clinical testing. Allele origin: germline.
Comment: The p.E161A variant (also known as c.482A>C), located in coding exon 5 of the STAP1 gene, results from an A to C substitution at nucleotide position 482. The glutamic acid at codon 161 is replaced by alanine, an amino acid with dissimilar properties. This amino acid position is conserved. In addition, this alteration is predicted to be tolerated by in silico analysis. Based on the available evidence, the clinical significance of this variant remains unclear.